The following is an entry in ClinVar:

NM_003579.4(RAD54L):c.274C>T (p.Pro92Ser)

Gene: RAD54L (RAD54 like; plus strand). Cytogenetic location: 1p34.1.
Variant type: single nucleotide variant.
Coding change: c.274C>T on transcript NM_003579.4 (MANE Select); coding-DNA position 274, C replaced by T.
Protein change: p.Pro92Ser; replaces proline 92 with serine.
Molecular consequence: missense variant. On other transcripts: 5 prime UTR variant (1).
Genome position (GRCh38, 1-based): chr1:46,259,966, C>T. VCF-style: chr1-46259966-C-T. GRCh37 (hg19) VCF-style: chr1-46725638-C-T.
Other names: c.274C>T, p.Pro92Ser (NM_001142548.2); c.-267C>T (NM_001370766.1); short protein forms P92S.
Identifiers: ClinVar variation 1795529 (VCV001795529.3), dbSNP rs2148286892, ClinGen allele CA340181497.

ClinVar aggregate classification (germline): Uncertain significance (1 of 4 stars; one submission).

Submission:

Ambry Genetics
Classification: Uncertain significance. Last evaluated: 2024-09-01. Review status: criteria provided, single submitter. Criteria: Ambry Variant Classification Scheme 2023. Collection method: clinical testing. Allele origin: germline.
Comment: The p.P92S variant (also known as c.274C>T), located in coding exon 5 of the RAD54L gene, results from a C to T substitution at nucleotide position 274. The proline at codon 92 is replaced by serine, an amino acid with similar properties. This amino acid position is conserved. In addition, this alteration is predicted to be tolerated by in silico analysis. Since supporting evidence is limited at this time, the clinical significance of this alteration remains unclear.